The following is an entry in ClinVar:

NM_001256789.3(CACNA1F):c.85T>G (p.Cys29Gly)

Gene: CACNA1F (calcium voltage-gated channel subunit alpha1 F; minus strand). Cytogenetic location: Xp11.23.
Variant type: single nucleotide variant.
Coding change: c.85T>G on transcript NM_001256789.3 (MANE Select); coding-DNA position 85, T replaced by G.
Protein change: p.Cys29Gly; replaces cysteine 29 with glycine.
Molecular consequence: missense variant. On other transcripts: intron variant (1).
Genome position (GRCh38, 1-based): chrX:49,231,868, A>C on the plus strand (T>G on the coding strand, the complement: CACNA1F is on the minus strand). VCF-style: chrX-49231868-A-C. GRCh37 (hg19) VCF-style: chrX-49088330-A-C.
Other names: c.85T>G, p.Cys29Gly (NM_005183.4); c.66-176T>G (NM_001256790.3); short protein forms C29G.
Identifiers: ClinVar variation 595852 (VCV000595852.12), dbSNP rs924041421, ClinGen allele CA329125511.

ClinVar aggregate classification (germline): Uncertain significance. Review status: criteria provided, multiple submitters, no conflicts (2 of 4 stars). 3 submissions from 3 submitters: Uncertain significance (3). Last evaluated 2026-02-02.

Conditions:
CACNA1F-related retinopathy. Identifiers: MedGen CN375918, MONDO:0700243.

Submissions (3):

Dasa
Classification: Uncertain significance for CACNA1F-related retinopathy. Last evaluated: 2026-02-02. Review status: criteria provided, single submitter. Criteria: DASA Assertion Criteria. Collection method: clinical testing. Allele origin: germline.
Comment: NM_001256789.3(CACNA1F):c.85T>G (p.Cys29Gly) is a missense variant that results in the substitution of cysteine with glycine. This variant is rare in population databases. The currently available literature and clinical evidence are not sufficient to establish a definitive association between this variant and the reported condition. Therefore, this variant is classified as a variant of uncertain significance.

Labcorp Genetics (formerly Invitae), Labcorp
Classification: Uncertain significance. Last evaluated: 2023-11-27. Review status: criteria provided, single submitter. Criteria: Invitae Variant Classification Sherloc (09022015). Collection method: clinical testing. Allele origin: germline.
Comment: This sequence change replaces cysteine, which is neutral and slightly polar, with glycine, which is neutral and non-polar, at codon 29 of the CACNA1F protein (p.Cys29Gly). This variant is not present in population databases (gnomAD no frequency). This variant has not been reported in the literature in individuals affected with CACNA1F-related conditions. ClinVar contains an entry for this variant (Variation ID: 595852). An algorithm developed to predict the effect of missense changes on protein structure and function (PolyPhen-2) suggests that this variant is likely to be tolerated. In summary, the available evidence is currently insufficient to determine the role of this variant in disease. Therefore, it has been classified as a Variant of Uncertain Significance.

Eurofins Ntd Llc (ga)
Classification: Uncertain significance. Last evaluated: 2018-02-02. Review status: criteria provided, single submitter. Criteria: EGL Classification Definitions 2015. Collection method: clinical testing. Allele origin: germline. Observed: 1 variant allele, 1 hemizygote.